The following is an entry in ClinVar:

NM_002087.3:c.-45C>G

Gene: GRN (granulin precursor; plus strand).
Variant type: single nucleotide variant.
Identifiers: ClinVar variation 4684225 (VCV004684225.1).

ClinVar aggregate classification (germline): Likely benign (1 of 4 stars; one submission).

Submission:

Mayo Clinic Laboratories, Mayo Clinic
Classification: Likely benign. Last evaluated: 2024-11-12. Review status: criteria provided, single submitter. Criteria: ACMG Guidelines, 2015. Collection method: clinical testing. Allele origin: germline. Observed: 1 variant allele.
Comment: BS1

Literature cited by the submitters: PubMed 18543312.